The following is an entry in ClinVar:

ClinVar aggregate classification (germline): Uncertain significance (1 of 4 stars; one submission).

Conditions:
HLTF-related disorder. Also called: HLTF-related condition.

Allele frequency attached by ClinVar (database versions not stated): gnomAD 0.00001; TOPMed 0.00002.
gnomAD v4.1: 22 of 1,603,014 alleles (0.0014%); highest among the groups gnomAD compares: Non-Finnish European, 0.0019%; no homozygotes.

Submission:

PreventionGenetics, part of Exact Sciences
Classification: Uncertain significance for HLTF-related condition. Last evaluated: 2023-06-12. Review status: criteria provided, single submitter. Criteria: ACMG Guidelines, 2015. Collection method: clinical testing. Allele origin: germline.
Comment: The HLTF c.855A>T variant is predicted to result in the amino acid substitution p.Glu285Asp. To our knowledge, this variant has not been reported in the literature. This variant is reported in 0.0045% of alleles in individuals of European (Non-Finnish) descent in gnomAD. At this time, the clinical significance of this variant is uncertain due to the absence of conclusive functional and genetic evidence.

NM_003071.4(HLTF):c.855A>T (p.Glu285Asp)

Gene: HLTF (helicase like transcription factor; minus strand). Cytogenetic location: 3q24.
Variant type: single nucleotide variant.
Coding change: c.855A>T on transcript NM_003071.4 (MANE Select); coding-DNA position 855, A replaced by T.
Protein change: p.Glu285Asp; replaces glutamic acid 285 with aspartic acid.
Molecular consequence: missense variant.
Genome position (GRCh38, 1-based): chr3:149,071,291, T>A on the plus strand (A>T on the coding strand, the complement: HLTF is on the minus strand). VCF-style: chr3-149071291-T-A. GRCh37 (hg19) VCF-style: chr3-148789078-T-A.
Other names: c.855A>T, p.Glu285Asp (NM_001318934.2, NM_001318935.2, NM_139048.3); short protein forms E285D.
Identifiers: ClinVar variation 2629091 (VCV002629091.1), dbSNP rs1465706859, ClinGen allele CA354905740.
Genomic context (GRCh38, chr3:149,071,291, plus strand): 5'-ACTAAAGAAAAAAATAATTACCAAACCCATATCATCAGCTAAAATTCCTCCATGGACATT[T>A]TCTGGTCGGTCCTTCTCAGAAAAATTTGTTATTGTGTTATAGTATAAGTCATTTCGCTGT-3'
Protein context (NP_003062.2, residues 275-295): ITNFSEKDRP[Glu285Asp]NVHGGILADD